The following is an entry in ClinVar:

ClinVar aggregate classification (germline): Conflicting classifications of pathogenicity. Review status: criteria provided, conflicting classifications (1 of 4 stars). 2 submissions from 2 submitters: Likely pathogenic (1); Uncertain significance (1). Last evaluated 2025-11-05.

Conditions:
Familial benign pemphigus (HHD). Identifiers: Orphanet 2841, MedGen C0085106, MONDO:0008218, OMIM 169600.
Inborn genetic diseases. Identifiers: MedGen C0950123, MeSH D030342.

Submissions (2):

Ambry Genetics
Classification: Uncertain significance for Inborn genetic diseases. Last evaluated: 2025-11-05. Review status: criteria provided, single submitter. Criteria: Ambry Variant Classification Scheme 2023. Collection method: clinical testing. Allele origin: germline.

Juno Genomics, Hangzhou Juno Genomics, Inc
Classification: Likely pathogenic for Familial benign pemphigus. Review status: criteria provided, single submitter. Criteria: ACMG Guidelines, 2015. Collection method: clinical testing. Allele origin: germline. Affected: yes.
Comment: Absent from controls (or at extremely low frequency if recessive) in Genome Aggregation Database, Exome Sequencing Project, 1000 Genomes Project, or Exome Aggregation Consortium.;Multiple lines of computational evidence support a deleterious effect on the gene or gene product (conservation, evolutionary, splicing impact, etc).;Missense variant in a gene that has a low rate of benign missense variation and where missense variants are a common mechanism of disease.

NM_001378687.1(ATP2C1):c.661A>G (p.Thr221Ala)

Gene: ATP2C1 (ATPase secretory pathway Ca2+ transporting 1; plus strand). Cytogenetic location: 3q22.1.
Variant type: single nucleotide variant.
Coding change: c.661A>G on transcript NM_001378687.1 (MANE Select); coding-DNA position 661, A replaced by G.
Protein change: p.Thr221Ala; replaces threonine 221 with alanine.
Molecular consequence: missense variant.
Genome position (GRCh38, 1-based): chr3:130,953,950, A>G. VCF-style: chr3-130953950-A-G. GRCh37 (hg19) VCF-style: chr3-130672794-A-G.
Other names: c.661A>G (NM_014382.3); c.661A>G, p.Thr221Ala (NM_001001485.3, NM_001001486.2, NM_001001487.2 and 5 more transcripts); c.763A>G, p.Thr255Ala (NM_001199180.2, NM_001199181.3, NM_001378511.1); c.646A>G, p.Thr216Ala (NM_001199182.2); c.613A>G, p.Thr205Ala (NM_001199183.2, NM_001199184.3, NM_001378514.1); short protein forms T205A, T216A, T221A, T255A.
Identifiers: ClinVar variation 3382309 (VCV003382309.3).